The following is an entry in ClinVar:

ClinVar aggregate classification (germline): Uncertain significance (1 of 4 stars; one submission).

gnomAD v4.1: 1 of 1,614,196 alleles (0.000062%); highest among the groups gnomAD compares: Admixed American, 0.0017%; no homozygotes.

Submission:

GeneDx
Classification: Uncertain significance. Last evaluated: 2026-04-22. Review status: criteria provided, single submitter. Criteria: GeneDx Variant Classification Process June 2021. Collection method: clinical testing. Allele origin: germline.
Comment: Not observed at significant frequency in large population cohorts (gnomAD); In silico analysis supports that this missense variant has a deleterious effect on protein structure/function; Has not been previously published as pathogenic or benign to our knowledge

NM_000540.3(RYR1):c.3530C>T (p.Ala1177Val)

Gene: RYR1 (ryanodine receptor 1; plus strand). Cytogenetic location: 19q13.2.
Variant type: single nucleotide variant.
Coding change: c.3530C>T on transcript NM_000540.3 (MANE Select); coding-DNA position 3530, C replaced by T.
Protein change: p.Ala1177Val; replaces alanine 1177 with valine.
Molecular consequence: missense variant.
Genome position (GRCh38, 1-based): chr19:38,469,114, C>T. VCF-style: chr19-38469114-C-T. GRCh37 (hg19) VCF-style: chr19-38959754-C-T.
Other names: c.3530C>T, p.Ala1177Val (NM_001042723.2); short protein forms A1177V.
Identifiers: ClinVar variation 5037442 (VCV005037442.1).
Genomic context (GRCh38, chr19:38,469,114, plus strand): 5'-ACACCATTATCTTCACCCTCAATGGCGAGGTCCTCATGTCTGACTCAGGCTCCGAAACAG[C>T]CTTCCGGGAGATTGAGATTGGGGACGGTGAGGGCTGAGACCCCTTCACATGCCCTTTCTT-3'
Protein context (NP_000531.2, residues 1167-1187): VLMSDSGSET[Ala1177Val]FREIEIGDGF